The following is an entry in ClinVar:

ClinVar aggregate classification (germline): Uncertain significance (1 of 4 stars; one submission).

Conditions:
Hyperekplexia 3 (HKPX3). Also called: HYPEREKPLEXIA 3, AUTOSOMAL RECESSIVE; HYPEREKPLEXIA 3, AUTOSOMAL DOMINANT. Identifiers: Orphanet 3197, MedGen C3553288, MONDO:0013827, OMIM 614618.

Allele frequency attached by ClinVar (database versions not stated): gnomAD exomes below 0.00001 and 0.00001; gnomAD 0.00001.
gnomAD v4.1: 9 of 1,613,636 alleles (0.00056%); highest among the groups gnomAD compares: Admixed American, 0.01%; no homozygotes.

Submission:

Labcorp Genetics (formerly Invitae), Labcorp
Classification: Uncertain significance for Hyperekplexia 3. Last evaluated: 2022-05-05. Review status: criteria provided, single submitter. Criteria: Invitae Variant Classification Sherloc (09022015). Collection method: clinical testing. Allele origin: germline.
Comment: This sequence change replaces lysine, which is basic and polar, with glutamic acid, which is acidic and polar, at codon 596 of the SLC6A5 protein (p.Lys596Glu). This variant is present in population databases (no rsID available, gnomAD 0.01%). This variant has not been reported in the literature in individuals affected with SLC6A5-related conditions. Advanced modeling of protein sequence and biophysical properties (such as structural, functional, and spatial information, amino acid conservation, physicochemical variation, residue mobility, and thermodynamic stability) performed at Invitae indicates that this missense variant is not expected to disrupt SLC6A5 protein function. In summary, the available evidence is currently insufficient to determine the role of this variant in disease. Therefore, it has been classified as a Variant of Uncertain Significance.

NM_004211.5(SLC6A5):c.1786A>G (p.Lys596Glu)

Gene: SLC6A5 (solute carrier family 6 member 5; plus strand). Cytogenetic location: 11p15.1.
Variant type: single nucleotide variant.
Coding change: c.1786A>G on transcript NM_004211.5 (MANE Select); coding-DNA position 1786, A replaced by G.
Protein change: p.Lys596Glu; replaces lysine 596 with glutamic acid.
Molecular consequence: missense variant.
Genome position (GRCh38, 1-based): chr11:20,637,220, A>G. VCF-style: chr11-20637220-A-G. GRCh37 (hg19) VCF-style: chr11-20658766-A-G.
Other names: c.1084A>G, p.Lys362Glu (NM_001318369.2); short protein forms K596E, K362E.
Identifiers: ClinVar variation 1419905 (VCV001419905.3), dbSNP rs1000786095, ClinGen allele CA218745041.